The following is an entry in ClinVar:

NM_001371623.1(TCOF1):c.2140C>T (p.Gln714Ter)

Gene: TCOF1 (treacle ribosome biogenesis factor 1; plus strand). Cytogenetic location: 5q32.
Variant type: single nucleotide variant.
Coding change: c.2140C>T on transcript NM_001371623.1 (MANE Select); coding-DNA position 2140, C replaced by T.
Protein change: p.Gln714Ter; replaces glutamine 714 with a stop codon.
Molecular consequence: nonsense.
Genome position (GRCh38, 1-based): chr5:150,376,328, C>T. VCF-style: chr5-150376328-C-T. GRCh37 (hg19) VCF-style: chr5-149755891-C-T.
Other names: c.1909C>T, p.Gln637Ter (NM_000356.4, NM_001135245.2); c.2140C>T, p.Gln714Ter (NM_001008657.3, NM_001135243.2, NM_001135244.2 and 1 more transcripts); short protein forms Q637*, Q714*.
Identifiers: ClinVar variation 420948 (VCV000420948.2), dbSNP rs769931291, ClinGen allele CA16618140.

ClinVar aggregate classification (germline): Pathogenic (1 of 4 stars; one submission).

Submission:

GeneDx
Classification: Pathogenic. Last evaluated: 2018-03-15. Review status: criteria provided, single submitter. Criteria: GeneDx Variant Classification (06012015). Collection method: clinical testing. Allele origin: germline. Affected: yes.
Comment: The Q714X variant in the TCOF1 gene has been reported previously in the de novo state in a patient with Treacher Collins syndrome (Vincent et al., 2015). This variant is predicted to cause loss of normal protein function either through protein truncation or nonsense-mediated mRNA decay. The Q714X variant is not observed in large population cohorts (Lek et al., 2016; 1000 Genomes Consortium et al., 2015; Exome Variant Server). We interpret Q714X as a pathogenic variant.